The following is an entry in ClinVar:

NM_004304.5(ALK):c.1032C>T (p.His344=)

Gene: ALK (ALK receptor tyrosine kinase; minus strand). Cytogenetic location: 2p23.2.
Variant type: single nucleotide variant.
Coding change: c.1032C>T on transcript NM_004304.5 (MANE Select); coding-DNA position 1032, C replaced by T.
Protein change: p.His344=; no amino-acid change (histidine 344 retained).
Molecular consequence: synonymous variant.
Genome position (GRCh38, 1-based): chr2:29,532,037, G>A on the plus strand (C>T on the coding strand, the complement: ALK is on the minus strand). VCF-style: chr2-29532037-G-A. GRCh37 (hg19) VCF-style: chr2-29754903-G-A.
Identifiers: ClinVar variation 1115994 (VCV001115994.13), dbSNP rs2148158695, ClinGen allele CA425518233.

ClinVar aggregate classification (germline): Conflicting classifications of pathogenicity. Review status: criteria provided, conflicting classifications (1 of 4 stars). 3 submissions from 3 submitters: Uncertain significance (1); Likely benign (2). Last evaluated 2025-09-11.

Conditions:
Neuroblastoma, susceptibility to, 3. Also called: ALK-Related Neuroblastic Tumor Susceptibility. Identifiers: Orphanet 635, MedGen C2751681, MONDO:0013083, OMIM 613014.
Hereditary cancer-predisposing syndrome. Also called: Neoplastic Syndromes, Hereditary; Hereditary Cancer Syndrome; Hereditary neoplastic syndrome; Tumor predisposition. Identifiers: Orphanet 140162, MedGen C0027672, MeSH D009386, MONDO:0015356.

gnomAD v4.1: 1 of 1,614,092 alleles (0.000062%); highest among the groups gnomAD compares: Non-Finnish European, 0.000085%; no homozygotes.

Submissions (3):

Labcorp Genetics (formerly Invitae), Labcorp
Classification: Likely benign for Neuroblastoma, susceptibility to, 3. Last evaluated: 2025-09-11. Review status: criteria provided, single submitter. Criteria: Invitae Variant Classification Sherloc (09022015). Collection method: clinical testing. Allele origin: germline.

GeneDx
Classification: Uncertain significance. Last evaluated: 2023-05-23. Review status: criteria provided, single submitter. Criteria: GeneDx Variant Classification Process June 2021. Collection method: clinical testing. Allele origin: germline. Affected: yes.
Comment: Not observed at significant frequency in large population cohorts (gnomAD); In silico analysis supports that this variant does not alter splicing; Has not been previously published as pathogenic or benign to our knowledge

Ambry Genetics
Classification: Likely benign for Hereditary cancer-predisposing syndrome. Last evaluated: 2022-06-15. Review status: criteria provided, single submitter. Criteria: Ambry Variant Classification Scheme 2023. Collection method: clinical testing. Allele origin: germline.